The following is an entry in ClinVar:

ClinVar aggregate classification (germline): Uncertain significance. Review status: criteria provided, multiple submitters, no conflicts (2 of 4 stars). 5 submissions from 5 submitters: Uncertain significance (3). 2 of the submissions do not count toward it. Last evaluated 2025-04-25.

Conditions:
Inborn genetic diseases. Identifiers: MedGen C0950123, MeSH D030342.
RPGRIP1L-related disorder. Also called: RPGRIP1L-related condition; RPGRIP1L-related disorders. Identifiers: MedGen CN239416.
Meckel-Gruber syndrome. Also called: Dysencephalia splachnocystica; GRUBER SYNDROME; DYSENCEPHALIA SPLANCHNOCYSTICA. Identifiers: Orphanet 564, MedGen C0265215, MONDO:0018921.
Joubert syndrome. Also called: Familial aplasia of the vermis; JOUBERT-BOLTSHAUSER SYNDROME. Identifiers: Orphanet 475, MedGen C5979921, MONDO:0018772.

Allele frequency attached by ClinVar (database versions not stated): ExAC 0.00002; gnomAD 0.00002 and 0.00003; gnomAD exomes 0.00002; TOPMed 0.00002.
gnomAD v4.1: 19 of 1,613,858 alleles (0.0012%); highest among the groups gnomAD compares: Admixed American, 0.0067%; no homozygotes.

Submissions (5):

Ambry Genetics
Classification: Uncertain significance for Inborn genetic diseases. Last evaluated: 2025-04-25. Review status: criteria provided, single submitter. Criteria: Ambry Variant Classification Scheme 2023. Collection method: clinical testing. Allele origin: germline.

Labcorp Genetics (formerly Invitae), Labcorp
Classification: Uncertain significance for Joubert syndrome; Meckel-Gruber syndrome. Last evaluated: 2022-10-13. Review status: criteria provided, single submitter. Criteria: Invitae Variant Classification Sherloc (09022015). Collection method: clinical testing. Allele origin: germline.
Comment: This sequence change replaces arginine, which is basic and polar, with tryptophan, which is neutral and slightly polar, at codon 84 of the RPGRIP1L protein (p.Arg84Trp). This variant is present in population databases (rs770098954, gnomAD 0.003%). This variant has not been reported in the literature in individuals affected with RPGRIP1L-related conditions. ClinVar contains an entry for this variant (Variation ID: 235204). Advanced modeling of protein sequence and biophysical properties (such as structural, functional, and spatial information, amino acid conservation, physicochemical variation, residue mobility, and thermodynamic stability) performed at Invitae indicates that this missense variant is expected to disrupt RPGRIP1L protein function. In summary, the available evidence is currently insufficient to determine the role of this variant in disease. Therefore, it has been classified as a Variant of Uncertain Significance.

Center for Pediatric Genomic Medicine, Children's Mercy Hospital and Clinics
Classification: Uncertain significance. Last evaluated: 2016-01-27. Review status: criteria provided, single submitter. Criteria: ACMG Guidelines, 2015. Collection method: clinical testing. Allele origin: germline.
ClinVar note: Converted during submission from Uncertain Significance to Uncertain significance.

PreventionGenetics, part of Exact Sciences
Classification: Uncertain significance for RPGRIP1L-related condition. Last evaluated: 2024-08-19. Review status: no assertion criteria provided. Collection method: clinical testing. Allele origin: germline. Not counted in ClinVar's aggregate classification.
Comment: The RPGRIP1L c.250C>T variant is predicted to result in the amino acid substitution p.Arg84Trp. To our knowledge, this variant has not been reported in the literature. This variant is reported in 0.0058% of alleles in individuals of Latino descent in gnomAD. At this time, the clinical significance of this variant is uncertain due to the absence of conclusive functional and genetic evidence.

Natera, Inc.
Classification: Uncertain significance for Joubert syndrome. Last evaluated: 2020-07-26. Review status: no assertion criteria provided. Collection method: clinical testing. Allele origin: germline. Not counted in ClinVar's aggregate classification.

NM_015272.5(RPGRIP1L):c.250C>T (p.Arg84Trp)

Gene: RPGRIP1L (RPGRIP1 like; minus strand). Cytogenetic location: 16q12.2.
Variant type: single nucleotide variant.
Coding change: c.250C>T on transcript NM_015272.5 (MANE Select); coding-DNA position 250, C replaced by T.
Protein change: p.Arg84Trp; replaces arginine 84 with tryptophan.
Molecular consequence: missense variant.
Genome position (GRCh38, 1-based): chr16:53,692,345, G>A on the plus strand (C>T on the coding strand, the complement: RPGRIP1L is on the minus strand). VCF-style: chr16-53692345-G-A. GRCh37 (hg19) VCF-style: chr16-53726257-G-A.
Other names: c.250C>T (NM_015272.4, NM_015272.2); c.250C>T, p.Arg84Trp (NM_001127897.4, NM_001308334.3, NM_001330538.2); short protein forms R84W.
Identifiers: ClinVar variation 235204 (VCV000235204.9), dbSNP rs770098954, ClinGen allele CA8058160.